The following is an entry in ClinVar:

NM_001737.5(C9):c.77+18_77+19delinsGG

Gene: C9 (complement C9; minus strand). Cytogenetic location: 5p13.1.
Variant type: Indel.
Coding change: c.77+18_77+19delinsGG on transcript NM_001737.5 (MANE Select); bases 18 to 19 of the intron after coding-DNA position 77, CT replaced by GG.
Molecular consequence: intron variant.
Genome position (GRCh38, 1-based): chr5:39,364,369-39,364,370, AG replaced by CC on the plus strand (CT replaced by GG on the coding strand, the reverse complement: C9 is on the minus strand). VCF-style: chr5-39364369-AG-CC. GRCh37 (hg19) VCF-style: chr5-39364471-AG-CC.
Identifiers: ClinVar variation 4737294 (VCV004737294.1).

ClinVar aggregate classification (germline): Uncertain significance (1 of 4 stars; one submission).

Submission:

Labcorp Genetics (formerly Invitae), Labcorp
Classification: Uncertain significance. Last evaluated: 2025-04-29. Review status: criteria provided, single submitter. Criteria: Invitae Variant Classification Sherloc (09022015). Collection method: clinical testing. Allele origin: germline.
Comment: This sequence change falls in intron 1 of the C9 gene. It does not directly change the encoded amino acid sequence of the C9 protein. Information on the frequency of this variant in the gnomAD database is not available, as this variant may be reported differently in the database. This variant has not been reported in the literature in individuals affected with C9-related conditions. Experimental studies and prediction algorithms are not available or were not evaluated, and the effect of this variant on mRNA splicing is currently unknown. In summary, the available evidence is currently insufficient to determine the role of this variant in disease. Therefore, it has been classified as a Variant of Uncertain Significance.